The following is an entry in ClinVar:

NM_001734.5(C1S):c.1096G>C (p.Glu366Gln)

Gene: C1S (complement C1s; plus strand). Cytogenetic location: 12p13.31.
Variant type: single nucleotide variant.
Coding change: c.1096G>C on transcript NM_001734.5 (MANE Select); coding-DNA position 1096, G replaced by C.
Protein change: p.Glu366Gln; replaces glutamic acid 366 with glutamine.
Molecular consequence: missense variant.
Genome position (GRCh38, 1-based): chr12:7,067,672, G>C. VCF-style: chr12-7067672-G-C. GRCh37 (hg19) VCF-style: chr12-7174976-G-C.
Other names: c.1096G>C, p.Glu366Gln (NM_201442.4); c.595G>C, p.Glu199Gln (NM_001346850.2); short protein forms E199Q, E366Q.
Identifiers: ClinVar variation 4848758 (VCV004848758.1).

ClinVar aggregate classification (germline): Uncertain significance (1 of 4 stars; one submission).

Submission:

Women's Health and Genetics/Laboratory Corporation of America, LabCorp
Classification: Uncertain significance. Last evaluated: 2026-04-08. Review status: criteria provided, single submitter. Criteria: LabCorp Variant Classification Summary - May 2015. Collection method: clinical testing. Allele origin: germline.
Comment: Variant summary: C1S c.1096G>C (p.Glu366Gln) results in a conservative amino acid change in the encoded protein sequence. Algorithms developed to predict the effect of missense changes on protein structure and function all suggest that this variant is likely to be tolerated. The variant was absent in 251462 control chromosomes. The available data on variant occurrences in the general population are insufficient to allow any conclusion about variant significance. To our knowledge, no occurrence of c.1096G>C in individuals affected with C1S-related conditions and no experimental evidence demonstrating its impact on protein function have been reported. No submitters have cited clinical-significance assessments for this variant to ClinVar. Based on the evidence outlined above, the variant was classified as uncertain significance.